The following is an entry in ClinVar:

ClinVar aggregate classification (germline): Likely benign (0 of 4 stars; one submission).

Conditions:
PHF2-related disorder. Also called: PHF2-related condition.

gnomAD v4.1: 5 of 1,613,790 alleles (0.00031%); highest among the groups gnomAD compares: African/African-American, 0.004%; no homozygotes.

Submission:

PreventionGenetics, part of Exact Sciences
Classification: Likely benign for PHF2-related condition. Last evaluated: 2024-09-09. Review status: no assertion criteria provided. Collection method: clinical testing. Allele origin: germline.
Comment: This variant is classified as likely benign based on ACMG/AMP sequence variant interpretation guidelines (Richards et al. 2015 PMID: 25741868, with internal and published modifications).

NM_005392.4(PHF2):c.2670G>A (p.Lys890=)

Gene: PHF2 (PHD finger protein 2; plus strand). Cytogenetic location: 9q22.31.
Variant type: single nucleotide variant.
Coding change: c.2670G>A on transcript NM_005392.4 (MANE Select); coding-DNA position 2670, G replaced by A.
Protein change: p.Lys890=; no amino-acid change (lysine 890 retained).
Molecular consequence: synonymous variant.
Genome position (GRCh38, 1-based): chr9:93,674,970, G>A. VCF-style: chr9-93674970-G-A. GRCh37 (hg19) VCF-style: chr9-96437252-G-A.
Identifiers: ClinVar variation 3351708 (VCV003351708.1).